The following is an entry in ClinVar:

NM_006767.4(LZTR1):c.651+10_651+46dup

Gene: LZTR1 (leucine zipper like post translational regulator 1; plus strand). Cytogenetic location: 22q11.21.
Variant type: Duplication.
Coding change: c.651+10_651+46dup on transcript NM_006767.4 (MANE Select); bases 10 to 46 of the intron after coding-DNA position 651, 37 bases duplicated.
Molecular consequence: splice donor variant.
Genome position (GRCh38, 1-based): chr22:20,989,692-20,989,728, 37 bases duplicated; duplicating any 37 consecutive bases within chr22:20,989,677-20,989,728 gives the same sequence; the c. name uses the placement nearest the transcript's 3' end. GRCh37 (hg19): chr22:21,343,981-21,344,017.
Identifiers: ClinVar variation 2188749 (VCV002188749.4), dbSNP rs541944601, ClinGen allele CA2580099198.

ClinVar aggregate classification (germline): Uncertain significance (1 of 4 stars; one submission).

Submission:

Labcorp Genetics (formerly Invitae), Labcorp
Classification: Uncertain significance. Last evaluated: 2025-05-05. Review status: criteria provided, single submitter. Criteria: Invitae Variant Classification Sherloc (09022015). Collection method: clinical testing. Allele origin: germline.
Comment: This sequence change falls in intron 7 of the LZTR1 gene. It does not directly change the encoded amino acid sequence of the LZTR1 protein. This variant is not present in population databases (gnomAD no frequency). This variant has not been reported in the literature in individuals affected with LZTR1-related conditions. ClinVar contains an entry for this variant (Variation ID: 2188749). Experimental studies and prediction algorithms are not available or were not evaluated, and the effect of this variant on mRNA splicing is currently unknown. In summary, the available evidence is currently insufficient to determine the role of this variant in disease. Therefore, it has been classified as a Variant of Uncertain Significance.